The following is an entry in ClinVar:

ClinVar aggregate classification (germline): Uncertain significance. Review status: criteria provided, multiple submitters, no conflicts (2 of 4 stars). 2 submissions from 2 submitters: Uncertain significance (2). Last evaluated 2025-08-13.

Allele frequency attached by ClinVar (database versions not stated): gnomAD 0.00003; TOPMed 0.00003; ExAC 0.00004; gnomAD exomes 0.00007.
gnomAD v4.1: 107 of 1,612,610 alleles (0.0066%); highest among the groups gnomAD compares: Non-Finnish European, 0.0082%; no homozygotes.

Submissions (2):

Labcorp Genetics (formerly Invitae), Labcorp
Classification: Uncertain significance. Last evaluated: 2025-08-13. Review status: criteria provided, single submitter. Criteria: Invitae Variant Classification Sherloc (09022015). Collection method: clinical testing. Allele origin: germline.
Comment: This sequence change replaces glycine, which is neutral and non-polar, with arginine, which is basic and polar, at codon 184 of the PSMG2 protein (p.Gly184Arg). This variant is present in population databases (rs749477887, gnomAD 0.01%). This variant has not been reported in the literature in individuals affected with PSMG2-related conditions. ClinVar contains an entry for this variant (Variation ID: 2189937). An algorithm developed to predict the effect of missense changes on protein structure and function (PolyPhen-2) suggests that this variant is likely to be disruptive. In summary, the available evidence is currently insufficient to determine the role of this variant in disease. Therefore, it has been classified as a Variant of Uncertain Significance.

Ambry Genetics
Classification: Uncertain significance. Last evaluated: 2025-02-11. Review status: criteria provided, single submitter. Criteria: Ambry Variant Classification Scheme 2023. Collection method: clinical testing. Allele origin: germline.

NM_020232.5(PSMG2):c.550G>A (p.Gly184Arg)

Gene: PSMG2 (proteasome assembly chaperone 2; plus strand). Cytogenetic location: 18p11.21.
Variant type: single nucleotide variant.
Coding change: c.550G>A on transcript NM_020232.5 (MANE Select); coding-DNA position 550, G replaced by A.
Protein change: p.Gly184Arg; replaces glycine 184 with arginine.
Molecular consequence: missense variant.
Genome position (GRCh38, 1-based): chr18:12,720,652, G>A. VCF-style: chr18-12720652-G-A. GRCh37 (hg19) VCF-style: chr18-12720651-G-A.
Other names: c.457G>A, p.Gly153Arg (NM_147163.2); c.550G>A (NM_020232.4); short protein forms G153R, G184R.
Identifiers: ClinVar variation 2189937 (VCV002189937.5), dbSNP rs749477887, ClinGen allele CA8898433.